The following is an entry in ClinVar:

ClinVar aggregate classification (germline): Uncertain significance (1 of 4 stars; one submission).

Conditions:
Multiple endocrine neoplasia, type 1 (MEN1). Also called: MEN I; WERMER SYNDROME; Endocrine adenomatosis multiple; MEN 1; MEA I. Identifiers: Orphanet 652, MedGen C0025267, MeSH D018761, MONDO:0007540, OMIM 131100.

gnomAD v4.1: 2 of 1,614,218 alleles (0.00012%); highest among the groups gnomAD compares: Non-Finnish European, 0.00017%; no homozygotes.

Submission:

Labcorp Genetics (formerly Invitae), Labcorp
Classification: Uncertain significance for Multiple endocrine neoplasia, type 1. Last evaluated: 2023-12-12. Review status: criteria provided, single submitter. Criteria: Invitae Variant Classification Sherloc (09022015). Collection method: clinical testing. Allele origin: germline.
Comment: This sequence change replaces valine, which is neutral and non-polar, with methionine, which is neutral and non-polar, at codon 236 of the MEN1 protein (p.Val236Met). This variant is not present in population databases (gnomAD no frequency). This variant has not been reported in the literature in individuals affected with MEN1-related conditions. Advanced modeling of protein sequence and biophysical properties (such as structural, functional, and spatial information, amino acid conservation, physicochemical variation, residue mobility, and thermodynamic stability) performed at Invitae indicates that this missense variant is expected to disrupt MEN1 protein function with a positive predictive value of 95%. In summary, the available evidence is currently insufficient to determine the role of this variant in disease. Therefore, it has been classified as a Variant of Uncertain Significance.

NM_001370259.2(MEN1):c.706G>A (p.Val236Met)

Gene: MEN1 (menin 1; minus strand). Cytogenetic location: 11q13.1.
Variant type: single nucleotide variant.
Coding change: c.706G>A on transcript NM_001370259.2 (MANE Select); coding-DNA position 706, G replaced by A.
Protein change: p.Val236Met; replaces valine 236 with methionine.
Molecular consequence: missense variant. On other transcripts: non-coding transcript variant (4).
Genome position (GRCh38, 1-based): chr11:64,807,629, C>T on the plus strand (G>A on the coding strand, the complement: MEN1 is on the minus strand). VCF-style: chr11-64807629-C-T. GRCh37 (hg19) VCF-style: chr11-64575101-C-T.
Other names: c.706G>A, p.Val236Met (NM_130799.3, NM_001370251.2, NM_001370260.2 and 7 more transcripts); c.721G>A, p.Val241Met (NM_130800.3, NM_130801.3, NM_130802.3 and 5 more transcripts); c.601G>A, p.Val201Met (NM_001370262.2, NM_001370263.2, NM_001407148.1 and 2 more transcripts); short protein forms V201M, V236M, V241M.
Identifiers: ClinVar variation 2702368 (VCV002702368.3), dbSNP rs2136141961, ClinGen allele CA381184573.